The following is an entry in ClinVar:

NM_015330.6(SPECC1L):c.393A>T (p.Arg131=)

Genes: SPECC1L (sperm antigen with calponin homology and coiled-coil domains 1 like; plus strand), SPECC1L-ADORA2A (SPECC1L-ADORA2A readthrough (NMD candidate); plus strand). Cytogenetic location: 22q11.23.
Variant type: single nucleotide variant.
Coding change: c.393A>T on transcript NM_015330.6 (MANE Select); coding-DNA position 393, A replaced by T.
Protein change: p.Arg131=; no amino-acid change (arginine 131 retained).
Molecular consequence: synonymous variant. On other transcripts: non-coding transcript variant (1).
Genome position (GRCh38, 1-based): chr22:24,321,373, A>T. VCF-style: chr22-24321373-A-T. GRCh37 (hg19) VCF-style: chr22-24717341-A-T.
Other names: c.393A>T, p.Arg131= (NM_001145468.4, NM_001254732.3).
Identifiers: ClinVar variation 2652992 (VCV002652992.24), dbSNP rs201882878, ClinGen allele CA514158488.

ClinVar aggregate classification (germline): Likely benign (1 of 4 stars; one submission).

gnomAD v4.1: 1 of 1,614,288 alleles (0.000062%); highest among the groups gnomAD compares: Non-Finnish European, 0.000085%; no homozygotes.

Submission:

CeGaT Center for Human Genetics Tuebingen
Classification: Likely benign. Last evaluated: 2022-06-01. Review status: criteria provided, single submitter. Criteria: CeGaT Center For Human Genetics Tuebingen Variant Classification Criteria Version 2. Collection method: clinical testing. Allele origin: germline. Affected: yes. Observed: 1 variant allele.
Comment: SPECC1L: PM2:Supporting, BP4, BP7